The following is an entry in ClinVar:

ClinVar aggregate classification (germline): Uncertain significance. Review status: criteria provided, multiple submitters, no conflicts (2 of 4 stars). 3 submissions from 3 submitters: Uncertain significance (3). Last evaluated 2025-12-15.

Conditions:
Hereditary cancer-predisposing syndrome. Also called: Neoplastic Syndromes, Hereditary; Hereditary neoplastic syndrome; Tumor predisposition; Hereditary Cancer Syndrome. Identifiers: Orphanet 140162, MedGen C0027672, MeSH D009386, MONDO:0015356.
Oligodontia-cancer predisposition syndrome. Also called: TOOTH AGENESIS-COLORECTAL CANCER SYNDROME. Identifiers: Orphanet 300576, MedGen C1837750, MONDO:0012075, OMIM 608615. Disease mechanism: loss of function.
Colorectal cancer. Also called: Colorectal cancer, somatic; Malignant Colorectal Neoplasm. Identifiers: MedGen C0346629, MONDO:0005575, OMIM 114500.

Submissions (3):

Ambry Genetics
Classification: Uncertain significance for Hereditary cancer-predisposing syndrome. Last evaluated: 2025-12-15. Review status: criteria provided, single submitter. Criteria: Ambry Variant Classification Scheme 2023. Collection method: clinical testing. Allele origin: germline.
Comment: The p.R56K variant (also known as c.167G>A), located in coding exon 1 of the AXIN2 gene, results from a G to A substitution at nucleotide position 167. The arginine at codon 56 is replaced by lysine, an amino acid with highly similar properties. This amino acid position is conserved. In addition, the in silico prediction for this alteration is inconclusive. Based on the available evidence, the clinical significance of this variant remains unclear.

Baylor Genetics
Classification: Uncertain significance for Colorectal cancer. Last evaluated: 2023-06-14. Review status: criteria provided, single submitter. Criteria: ACMG Guidelines, 2015. Collection method: clinical testing. Allele origin: unknown.

Labcorp Genetics (formerly Invitae), Labcorp
Classification: Uncertain significance for Oligodontia-cancer predisposition syndrome. Last evaluated: 2023-01-03. Review status: criteria provided, single submitter. Criteria: Invitae Variant Classification Sherloc (09022015). Collection method: clinical testing. Allele origin: germline.
Comment: In summary, the available evidence is currently insufficient to determine the role of this variant in disease. Therefore, it has been classified as a Variant of Uncertain Significance. Advanced modeling of protein sequence and biophysical properties (such as structural, functional, and spatial information, amino acid conservation, physicochemical variation, residue mobility, and thermodynamic stability) performed at Invitae indicates that this missense variant is not expected to disrupt AXIN2 protein function. ClinVar contains an entry for this variant (Variation ID: 576896). This variant has not been reported in the literature in individuals affected with AXIN2-related conditions. This variant is not present in population databases (gnomAD no frequency). This sequence change replaces arginine, which is basic and polar, with lysine, which is basic and polar, at codon 56 of the AXIN2 protein (p.Arg56Lys).

NM_004655.4(AXIN2):c.167G>A (p.Arg56Lys)

Gene: AXIN2 (axin 2; minus strand). Cytogenetic location: 17q24.1.
Variant type: single nucleotide variant.
Coding change: c.167G>A on transcript NM_004655.4 (MANE Select); coding-DNA position 167, G replaced by A.
Protein change: p.Arg56Lys; replaces arginine 56 with lysine.
Molecular consequence: missense variant.
Genome position (GRCh38, 1-based): chr17:65,558,454, C>T on the plus strand (G>A on the coding strand, the complement: AXIN2 is on the minus strand). VCF-style: chr17-65558454-C-T. GRCh37 (hg19) VCF-style: chr17-63554572-C-T.
Other names: c.167G>A, p.Arg56Lys (NM_001363813.1); c.167G>A (LRG_296t1); short protein forms R56K.
Identifiers: ClinVar variation 576896 (VCV000576896.13), dbSNP rs1567769454, ClinGen allele CA400681979.